The following is an entry in ClinVar:

NM_001005388.3(NFASC):c.1594G>T (p.Val532Leu)

Gene: NFASC (neurofascin; plus strand). Cytogenetic location: 1q32.1.
Variant type: single nucleotide variant.
Coding change: c.1594G>T on transcript NM_001005388.3 (MANE Select); coding-DNA position 1594, G replaced by T.
Protein change: p.Val532Leu; replaces valine 532 with leucine.
Molecular consequence: missense variant. On other transcripts: non-coding transcript variant (1).
Genome position (GRCh38, 1-based): chr1:204,975,306, G>T. VCF-style: chr1-204975306-G-T. GRCh37 (hg19) VCF-style: chr1-204944434-G-T.
Other names: c.1594G>T, p.Val532Leu (NM_001005389.2, NM_001378329.1); c.1627G>T, p.Val543Leu (NM_001160331.2, NM_001160332.2, NM_001365986.1 and 3 more transcripts); c.1576G>T, p.Val526Leu (NM_001160333.2); c.1627G>T (NM_015090.3); short protein forms V543L, V526L, V532L.
Identifiers: ClinVar variation 2224398 (VCV002224398.6), dbSNP rs371036080, ClinGen allele CA1349995.

ClinVar aggregate classification (germline): Uncertain significance. Review status: criteria provided, multiple submitters, no conflicts (2 of 4 stars). 3 submissions from 3 submitters: Uncertain significance (3). Last evaluated 2021-08-02.

Conditions:
Inborn genetic diseases. Identifiers: MedGen C0950123, MeSH D030342.
Neurodevelopmental disorder with central and peripheral motor dysfunction. Identifiers: MedGen C5193049, MONDO:0032698, OMIM 618356.

Allele frequency attached by ClinVar (database versions not stated): ExAC 0.00001; gnomAD 0.00002; TOPMed 0.00003.
gnomAD v4.1: 41 of 1,613,804 alleles (0.0025%); highest among the groups gnomAD compares: East Asian, 0.02%; no homozygotes.

Submissions (3):

Revvity Omics, Revvity
Classification: Uncertain significance for Neurodevelopmental disorder with central and peripheral motor dysfunction. Last evaluated: 2021-08-02. Review status: criteria provided, single submitter. Criteria: ACMG Guidelines, 2015. Collection method: clinical testing. Allele origin: germline.

Department of Pathology and Laboratory Medicine, Sinai Health System
Classification: Uncertain significance for Neurodevelopmental disorder with central and peripheral motor dysfunction. Last evaluated: 2021-07-30. Review status: criteria provided, single submitter. Criteria: ACMG Guidelines, 2015. Collection method: research. Allele origin: germline.

Ambry Genetics
Classification: Uncertain significance for Inborn genetic diseases. Last evaluated: 2021-03-18. Review status: criteria provided, single submitter. Criteria: Ambry Variant Classification Scheme 2023. Collection method: clinical testing. Allele origin: germline.
Comment: The c.1594G>T (p.V532L) alteration is located in exon 15 (coding exon 13) of the NFASC gene. This alteration results from a G to T substitution at nucleotide position 1594, causing the valine (V) at amino acid position 532 to be replaced by a leucine (L). The p.V532L alteration is predicted to be tolerated by in silico analysis. Based on insufficient or conflicting evidence, the clinical significance of this alteration remains unclear.